The following is an entry in ClinVar:

NM_024426.6(WT1):c.676A>G (p.Thr226Ala)

Gene: WT1 (WT1 transcription factor; minus strand). Cytogenetic location: 11p13.
Variant type: single nucleotide variant.
Coding change: c.676A>G on transcript NM_024426.6 (MANE Select); coding-DNA position 676, A replaced by G.
Protein change: p.Thr226Ala; replaces threonine 226 with alanine.
Molecular consequence: missense variant. On other transcripts: 5 prime UTR variant (1), non-coding transcript variant (2), intron variant (2).
Genome position (GRCh38, 1-based): chr11:32,428,605, T>C on the plus strand (A>G on the coding strand, the complement: WT1 is on the minus strand). VCF-style: chr11-32428605-T-C. GRCh37 (hg19) VCF-style: chr11-32450151-T-C.
Other names: c.676A>G, p.Thr226Ala (NM_000378.6, NM_001407044.1, NM_001407045.1 and 4 more transcripts); c.25A>G, p.Thr9Ala (NM_001198551.2, NM_001198552.2); c.-87A>G (NM_001407051.1); c.457A>G, p.Thr153Ala (NM_001429031.1, NM_001429032.1, NM_001429033.1 and 1 more transcripts); c.662-547A>G (NM_001407050.1, NM_001407047.1); short protein forms T221A, T153A, T226A, T9A.
Identifiers: ClinVar variation 3982477 (VCV003982477.1).

ClinVar aggregate classification (germline): Uncertain significance (1 of 4 stars; one submission).

Conditions:
Inborn genetic diseases. Identifiers: MedGen C0950123, MeSH D030342.

Submission:

Ambry Genetics
Classification: Uncertain significance for Inborn genetic diseases. Last evaluated: 2025-06-01. Review status: criteria provided, single submitter. Criteria: Ambry Variant Classification Scheme 2023. Collection method: clinical testing. Allele origin: germline.
Comment: The p.T221A variant (also known as c.661A>G), located in coding exon 2 of the WT1 gene, results from an A to G substitution at nucleotide position 661. The threonine at codon 221 is replaced by alanine, an amino acid with similar properties. This amino acid position is conserved. In addition, this alteration is predicted to be tolerated by in silico analysis. Based on the available evidence, the clinical significance of this variant remains unclear.